The following is an entry in ClinVar:

ClinVar aggregate classification (germline): Uncertain significance (1 of 4 stars; one submission).

Conditions:
Inborn genetic diseases. Identifiers: MedGen C0950123, MeSH D030342.

gnomAD v4.1: 1 of 1,614,136 alleles (0.000062%); highest among the groups gnomAD compares: South Asian, 0.0011%; no homozygotes.

Submission:

Ambry Genetics
Classification: Uncertain significance for Inborn genetic diseases. Last evaluated: 2025-08-02. Review status: criteria provided, single submitter. Criteria: Ambry Variant Classification Scheme 2023. Collection method: clinical testing. Allele origin: germline.
Comment: The p.P183L variant (also known as c.548C>T), located in coding exon 2 of the GATA2 gene, results from a C to T substitution at nucleotide position 548. The proline at codon 183 is replaced by leucine, an amino acid with similar properties. This amino acid position is conserved. In addition, this alteration is predicted to be deleterious by in silico analysis. Based on the available evidence, the clinical significance of this variant remains unclear.

NM_032638.5(GATA2):c.548C>T (p.Pro183Leu)

Gene: GATA2 (GATA binding protein 2; minus strand). Cytogenetic location: 3q21.3.
Variant type: single nucleotide variant.
Coding change: c.548C>T on transcript NM_032638.5 (MANE Select); coding-DNA position 548, C replaced by T.
Protein change: p.Pro183Leu; replaces proline 183 with leucine.
Molecular consequence: missense variant.
Genome position (GRCh38, 1-based): chr3:128,486,050, G>A on the plus strand (C>T on the coding strand, the complement: GATA2 is on the minus strand). VCF-style: chr3-128486050-G-A. GRCh37 (hg19) VCF-style: chr3-128204893-G-A.
Other names: c.548C>T, p.Pro183Leu (NM_001145661.2, NM_001145662.1); short protein forms P183L.
Identifiers: ClinVar variation 4262134 (VCV004262134.1).